The following is an entry in ClinVar:

NM_017739.4(POMGNT1):c.1437G>A (p.Met479Ile)

Genes: POMGNT1 (protein O-linked mannose N-acetylglucosaminyltransferase 1 (beta 1,2-); minus strand), TSPAN1 (tetraspanin 1; plus strand). Cytogenetic location: 1p34.1.
Variant type: single nucleotide variant.
Coding change: c.1437G>A on transcript NM_017739.4 (MANE Select); coding-DNA position 1437, G replaced by A.
Protein change: p.Met479Ile; replaces methionine 479 with isoleucine.
Molecular consequence: missense variant.
Genome position (GRCh38, 1-based): chr1:46,192,200, C>T on the plus strand (G>A on the coding strand, the complement: POMGNT1 is on the minus strand). VCF-style: chr1-46192200-C-T. GRCh37 (hg19) VCF-style: chr1-46657872-C-T.
Other names: c.1437G>A, p.Met479Ile (NM_001243766.2, NM_001410783.1); c.1371G>A, p.Met457Ile (NM_001290129.3); c.1008G>A, p.Met336Ile (NM_001290130.2); short protein forms M336I, M457I, M479I.
Identifiers: ClinVar variation 4060454 (VCV004060454.2).

ClinVar aggregate classification (germline): Uncertain significance. Review status: criteria provided, single submitter (1 of 4 stars). 2 submissions from 2 submitters: Uncertain significance (1). 1 of the submissions does not count toward it. Last evaluated 2026-05-06.

Conditions:
Muscle eye brain disease (MEB). Also called: Santavuori congenital muscular dystrophy. Identifiers: Orphanet 588, Orphanet 899, MedGen C0457133, MONDO:0018939.

Submissions (2):

Women's Health and Genetics/Laboratory Corporation of America, LabCorp
Classification: Uncertain significance. Last evaluated: 2026-05-06. Review status: criteria provided, single submitter. Criteria: LabCorp Variant Classification Summary - May 2015. Collection method: clinical testing. Allele origin: germline.
Comment: Variant summary: POMGNT1 c.1437G>A (p.Met479Ile) results in a conservative amino acid change in the encoded protein sequence. Algorithms developed to predict the effect of missense changes on protein structure and function are either unavailable or do not agree on the potential impact of this missense change. The variant was absent in 251496 control chromosomes. The available data on variant occurrences in the general population are insufficient to allow any conclusion about variant significance. To our knowledge, no occurrence of c.1437G>A in individuals affected with POMGNT1-related conditions and no experimental evidence demonstrating its impact on protein function have been reported. ClinVar contains an entry for this variant (Variation ID: 4060454). Based on the evidence outlined above, the variant was classified as uncertain significance.

Natera, Inc.
Classification: Uncertain significance for Muscle-eye-brain disease. Last evaluated: 2025-04-20. Review status: no assertion criteria provided. Collection method: clinical testing. Allele origin: germline. Not counted in ClinVar's aggregate classification.